The following is an entry in ClinVar:

NM_033225.6(CSMD1):c.9570C>T (p.Ser3190=)

Genes: CSMD1 (CUB and Sushi multiple domains 1; minus strand), LOC105377785 (uncharacterized LOC105377785; plus strand). Cytogenetic location: 8p23.2.
Variant type: single nucleotide variant.
Coding change: c.9570C>T on transcript NM_033225.6 (MANE Select); coding-DNA position 9570, C replaced by T.
Protein change: p.Ser3190=; no amino-acid change (serine 3190 retained).
Molecular consequence: synonymous variant.
Genome position (GRCh38, 1-based): chr8:2,962,524, G>A on the plus strand (C>T on the coding strand, the complement: CSMD1 is on the minus strand). VCF-style: chr8-2962524-G-A. GRCh37 (hg19) VCF-style: chr8-2820046-G-A.
Identifiers: ClinVar variation 3039755 (VCV003039755.2), dbSNP rs780891425, ClinGen allele CA4605094.
Genomic context (GRCh38, chr8:2,962,524, plus strand): 5'-ACCAATGCAGGTGGGTTGTATGCCGCTCCACGTGCCGTCAGCTTGGCAGACTCTTCTGGA[G>A]GATCCCACGAGTATAAATGGAGATTTGCACTGGAAGAAGACTTCGGACTTATAGGTGAAA-3'
Protein context (NP_150094.5, residues 3180-3200): QCKSPFILVG[Ser3190=]SRRVCQADGT

ClinVar aggregate classification (germline): Likely benign (0 of 4 stars; one submission).

Conditions:
CSMD1-related disorder. Also called: CSMD1-related condition.

Allele frequency attached by ClinVar (database versions not stated): TOPMed below 0.00001; gnomAD 0.00001; ExAC 0.00007.
gnomAD v4.1: 41 of 1,613,788 alleles (0.0025%); highest among the groups gnomAD compares: East Asian, 0.089%; no homozygotes.

Submission:

PreventionGenetics, part of Exact Sciences
Classification: Likely benign for CSMD1-related condition. Last evaluated: 2019-09-20. Review status: no assertion criteria provided. Collection method: clinical testing. Allele origin: germline.
Comment: This variant is classified as likely benign based on ACMG/AMP sequence variant interpretation guidelines (Richards et al. 2015 PMID: 25741868, with internal and published modifications).